The following is an entry in ClinVar:

ClinVar aggregate classification (germline): Likely benign (1 of 4 stars; one submission).

Allele frequency attached by ClinVar (database versions not stated): 1000 Genomes Project 30x 0.00219; 1000 Genomes Project 0.00240; TOPMed 0.00396; gnomAD 0.00424; ESP Exome Variant Server 0.00438; ExAC 0.00545; gnomAD exomes 0.00654.

Submission:

CeGaT Center for Human Genetics Tuebingen
Classification: Likely benign. Last evaluated: 2024-10-01. Review status: criteria provided, single submitter. Criteria: CeGaT Center For Human Genetics Tuebingen Variant Classification Criteria Version 2. Collection method: clinical testing. Allele origin: germline. Affected: yes. Observed: 4 variant alleles.
Comment: ADPRHL1: BP4, BS2

NM_001394807.1(ADPRHL1):c.1030G>A (p.Ala344Thr)

Gene: ADPRHL1 (ADP-ribosylhydrolase like 1; minus strand). Cytogenetic location: 13q34.
Variant type: single nucleotide variant.
Coding change: c.1030G>A on transcript NM_001394807.1 (MANE Select); coding-DNA position 1030, G replaced by A.
Protein change: p.Ala344Thr; replaces alanine 344 with threonine.
Molecular consequence: missense variant.
Genome position (GRCh38, 1-based): chr13:113,422,857, C>T on the plus strand (G>A on the coding strand, the complement: ADPRHL1 is on the minus strand). VCF-style: chr13-113422857-C-T. GRCh37 (hg19) VCF-style: chr13-114077172-C-T.
Other names: c.1030G>A, p.Ala344Thr (NM_138430.5); c.784G>A, p.Ala262Thr (NM_199162.3); short protein forms A262T, A344T.
Identifiers: ClinVar variation 2644007 (VCV002644007.24), dbSNP rs145187729, ClinGen allele CA7063482.